The following is an entry in ClinVar:

ClinVar aggregate classification (germline): Pathogenic (1 of 4 stars; one submission).

Submission:

Labcorp Genetics (formerly Invitae), Labcorp
Classification: Pathogenic. Last evaluated: 2023-07-10. Review status: criteria provided, single submitter. Criteria: Invitae Variant Classification Sherloc (09022015). Collection method: clinical testing. Allele origin: germline.
Comment: For these reasons, this variant has been classified as Pathogenic. This variant has not been reported in the literature in individuals affected with LRPPRC-related conditions. This variant is not present in population databases (gnomAD no frequency). This sequence change creates a premature translational stop signal (p.Asn694Ilefs*8) in the LRPPRC gene. It is expected to result in an absent or disrupted protein product. Loss-of-function variants in LRPPRC are known to be pathogenic (PMID: 26510951).

Literature cited by the submitters: PubMed 26510951.

NM_133259.4(LRPPRC):c.2081del (p.Asn694fs)

Gene: LRPPRC (leucine rich pentatricopeptide repeat containing; minus strand). Cytogenetic location: 2p21.
Variant type: Deletion.
Coding change: c.2081del on transcript NM_133259.4 (MANE Select); coding-DNA position 2081, one base deleted (A; older notation c.2081delA).
Protein change: p.Asn694fs; shifts the reading frame from asparagine 694.
Molecular consequence: frameshift variant.
Genome position (GRCh38, 1-based): chr2:43,946,242, T deleted on the plus strand (A on the coding strand, the reverse complement: LRPPRC is on the minus strand); the first of 2 consecutive T bases (chr2:43,946,242-43,946,243); deleting either gives the same sequence. VCF-style (leftmost placement, unchanged base first): chr2-43946241-AT-A. GRCh37 (hg19) VCF-style: chr2-44173380-AT-A.
Other names: short protein forms N694fs.
Identifiers: ClinVar variation 2740390 (VCV002740390.3), dbSNP rs2466565735, ClinGen allele CA2697548016.